The following is an entry in ClinVar:

NM_015338.6(ASXL1):c.3289C>T (p.Pro1097Ser)

Gene: ASXL1 (ASXL transcriptional regulator 1; plus strand). Cytogenetic location: 20q11.21.
Variant type: single nucleotide variant.
Coding change: c.3289C>T on transcript NM_015338.6 (MANE Select); coding-DNA position 3289, C replaced by T.
Protein change: p.Pro1097Ser; replaces proline 1097 with serine.
Molecular consequence: missense variant.
Genome position (GRCh38, 1-based): chr20:32,436,001, C>T. VCF-style: chr20-32436001-C-T. GRCh37 (hg19) VCF-style: chr20-31023804-C-T.
Other names: c.3106C>T, p.Pro1036Ser (NM_001363734.1); short protein forms P1036S, P1097S.
Identifiers: ClinVar variation 4159184 (VCV004159184.1).
Genomic context (GRCh38, chr20:32,436,001, plus strand): 5'-CCAGATTCCCTACTGCTGGCCAGTACTGAGTACCAGCCAAGAGCCGTGTGCCTGTCCATG[C>T]CTGGGTCCTCAGTGGAGGCCACTAACCCACTTGTGATGCAGTTGCTGCAGGGTAGCTTGC-3'
Protein context (NP_056153.2, residues 1087-1107): YQPRAVCLSM[Pro1097Ser]GSSVEATNPL

ClinVar aggregate classification (germline): Uncertain significance (1 of 4 stars; one submission).

Conditions:
Inborn genetic diseases. Identifiers: MedGen C0950123, MeSH D030342.

gnomAD v4.1: 7 of 1,614,142 alleles (0.00043%); highest among the groups gnomAD compares: Non-Finnish European, 0.00059%; no homozygotes.

Submission:

Ambry Genetics
Classification: Uncertain significance for Inborn genetic diseases. Last evaluated: 2025-08-25. Review status: criteria provided, single submitter. Criteria: Ambry Variant Classification Scheme 2023. Collection method: clinical testing. Allele origin: germline.
Comment: The p.P1097S variant (also known as c.3289C>T), located in coding exon 13 of the ASXL1 gene, results from a C to T substitution at nucleotide position 3289. The proline at codon 1097 is replaced by serine, an amino acid with similar properties. This amino acid position is conserved. In addition, this alteration is predicted to be tolerated by in silico analysis. Based on the available evidence, the clinical significance of this variant remains unclear.